The following is an entry in ClinVar:

ClinVar aggregate classification (germline): Likely benign. Review status: criteria provided, multiple submitters, no conflicts (2 of 4 stars). 3 submissions from 3 submitters: Likely benign (3). Last evaluated 2024-05-09.

Conditions:
Catecholaminergic polymorphic ventricular tachycardia (CVPT). Also called: Catecholamine-induced polymorphic ventricular tachycardia. Identifiers: Orphanet 3286, MedGen C5574922, MONDO:0017990.
Cardiomyopathy (CMYO). Also called: Cardiomyopathies. Identifiers: Orphanet 167848, MedGen C0878544, MONDO:0004994, HP:0001638. Inheritance: Various modes of inheritance.
Catecholaminergic polymorphic ventricular tachycardia 1. Also called: VENTRICULAR TACHYCARDIA, CATECHOLAMINERGIC POLYMORPHIC, 1, WITH OR WITHOUT ATRIAL DYSFUNCTION AND/OR DILATED CARDIOMYOPATHY; VENTRICULAR TACHYCARDIA, STRESS-INDUCED POLYMORPHIC 1; RYR2-Related Catecholaminergic Polymorphic Ventricular Tachycardia. Identifiers: Orphanet 3286, MedGen C1631597, MONDO:0011484, OMIM 604772.

Allele frequency attached by ClinVar (database versions not stated): gnomAD exomes 0.00001 and below 0.00001; TOPMed 0.00001.
gnomAD v4.1: 5 of 1,514,850 alleles (0.00033%); highest among the groups gnomAD compares: Admixed American, 0.0022%; no homozygotes.

Submissions (3):

All of Us Research Program, National Institutes of Health
Classification: Likely benign for Catecholaminergic polymorphic ventricular tachycardia. Last evaluated: 2024-05-09. Review status: criteria provided, single submitter. Criteria: ACMG Guidelines, 2015. Collection method: clinical testing. Allele origin: germline. Inheritance: Autosomal dominant inheritance. Observed: 2 variant alleles, 2 heterozygotes.
Comment: This study involves interpretation of variants in research participants for the purpose of population health screening. Participant phenotype was not available at the time of variant classification. Additional details can be found in publication PMID: 35346344, PMCID: PMC8962531

Labcorp Genetics (formerly Invitae), Labcorp
Classification: Likely benign for Catecholaminergic polymorphic ventricular tachycardia 1. Last evaluated: 2022-03-08. Review status: criteria provided, single submitter. Criteria: Invitae Variant Classification Sherloc (09022015). Collection method: clinical testing. Allele origin: germline.

Color Diagnostics, LLC DBA Color Health
Classification: Likely benign for Cardiomyopathy. Last evaluated: 2019-08-14. Review status: criteria provided, single submitter. Criteria: ACMG Guidelines, 2015. Collection method: clinical testing. Allele origin: germline.

NM_001035.3(RYR2):c.8149T>C (p.Leu2717=)

Gene: RYR2 (ryanodine receptor 2; plus strand). Cytogenetic location: 1q43.
Variant type: single nucleotide variant.
Coding change: c.8149T>C on transcript NM_001035.3 (MANE Select); coding-DNA position 8149, T replaced by C.
Protein change: p.Leu2717=; no amino-acid change (leucine 2717 retained).
Molecular consequence: synonymous variant.
Genome position (GRCh38, 1-based): chr1:237,657,963, T>C. VCF-style: chr1-237657963-T-C. GRCh37 (hg19) VCF-style: chr1-237821263-T-C.
Identifiers: ClinVar variation 700014 (VCV000700014.15), dbSNP rs1296293752, ClinGen allele CA423820734.